The following is an entry in ClinVar:

NM_001042492.3(NF1):c.4751del (p.Phe1584fs)

Gene: NF1 (neurofibromin 1; plus strand). Cytogenetic location: 17q11.2.
Variant type: Deletion.
Coding change: c.4751del on transcript NM_001042492.3 (MANE Select); coding-DNA position 4751, one base deleted (T; older notation c.4751delT).
Protein change: p.Phe1584fs; shifts the reading frame from phenylalanine 1584.
Molecular consequence: frameshift variant.
Genome position (GRCh38, 1-based): chr17:31,265,255, T deleted; the last of 2 consecutive T bases (chr17:31,265,254-31,265,255); deleting either gives the same sequence. VCF-style (leftmost placement, unchanged base first): chr17-31265253-AT-A. GRCh37 (hg19) VCF-style: chr17-29592271-AT-A.
Other names: c.4688delT, p.Phe1563Serfs (NM_000267.4); c.4688delT (NM_000267.3); short protein forms F1563fs, F1584fs.
Identifiers: ClinVar variation 1425056 (VCV001425056.8), dbSNP rs2151470069, ClinGen allele CA2573153669.

ClinVar aggregate classification (germline): Pathogenic. Review status: criteria provided, multiple submitters, no conflicts (2 of 4 stars). 2 submissions from 2 submitters: Pathogenic (2). Last evaluated 2021-04-05.

Conditions:
Cardiovascular phenotype. Identifiers: MedGen CN230736.
Hereditary cancer-predisposing syndrome. Also called: Hereditary neoplastic syndrome; Tumor predisposition; Hereditary Cancer Syndrome; Neoplastic Syndromes, Hereditary. Identifiers: Orphanet 140162, MedGen C0027672, MeSH D009386, MONDO:0015356.
Neurofibromatosis, type 1 (NF1). Also called: VON RECKLINGHAUSEN DISEASE; NEUROFIBROMATOSIS, TYPE I, SOMATIC; Neurofibromatosis, type I; Peripheral type neurofibromatosis. Identifiers: Orphanet 636, MedGen C0027831, MONDO:0018975, OMIM 162200. Disease mechanism: loss of function.

Submissions (2):

Ambry Genetics
Classification: Pathogenic for Cardiovascular phenotype; Hereditary cancer-predisposing syndrome. Last evaluated: 2021-04-05. Review status: criteria provided, single submitter. Criteria: Ambry Variant Classification Scheme 2023. Collection method: clinical testing. Allele origin: germline.
Comment: The c.4688delT pathogenic mutation, located in coding exon 35 of the NF1 gene, results from a deletion of one nucleotide at nucleotide position 4688, causing a translational frameshift with a predicted alternate stop codon (p.F1563Sfs*4). This variant was not reported in population-based cohorts in the Genome Aggregation Database (gnomAD). This nucleotide position is highly conserved in available vertebrate species. This alteration is expected to result in loss of function by premature protein truncation or nonsense-mediated mRNA decay. As such, this alteration is interpreted as a disease-causing mutation.

Labcorp Genetics (formerly Invitae), Labcorp
Classification: Pathogenic for Neurofibromatosis, type 1. Last evaluated: 2021-02-12. Review status: criteria provided, single submitter. Criteria: Invitae Variant Classification Sherloc (09022015). Collection method: clinical testing. Allele origin: germline.
Comment: This variant is not present in population databases (ExAC no frequency). This variant has not been reported in the literature in individuals with NF1-related conditions. For these reasons, this variant has been classified as Pathogenic. This sequence change creates a premature translational stop signal (p.Phe1563Serfs*4) in the NF1 gene. It is expected to result in an absent or disrupted protein product. Loss-of-function variants in NF1 are known to be pathogenic (PMID: 10712197, 23913538).

Literature cited by the submitters: PubMed 10712197 (cited by Labcorp Genetics (formerly Invitae), Labcorp); PubMed 23913538 (cited by Labcorp Genetics (formerly Invitae), Labcorp).